The following is an entry in ClinVar:

ClinVar aggregate classification (germline): Uncertain significance (1 of 4 stars; one submission).

Submission:

GeneDx
Classification: Uncertain significance. Last evaluated: 2023-10-10. Review status: criteria provided, single submitter. Criteria: GeneDx Variant Classification Process June 2021. Collection method: clinical testing. Allele origin: germline. Affected: yes.
Comment: Not observed at significant frequency in large population cohorts (gnomAD); In silico analysis supports that this missense variant has a deleterious effect on protein structure/function; Has not been previously published as pathogenic or benign to our knowledge

NM_018896.5(CACNA1G):c.2817G>T (p.Trp939Cys)

Gene: CACNA1G (calcium voltage-gated channel subunit alpha1 G; plus strand). Cytogenetic location: 17q21.33.
Variant type: single nucleotide variant.
Coding change: c.2817G>T on transcript NM_018896.5 (MANE Select); coding-DNA position 2817, G replaced by T.
Protein change: p.Trp939Cys; replaces tryptophan 939 with cysteine.
Molecular consequence: missense variant. On other transcripts: non-coding transcript variant (5).
Genome position (GRCh38, 1-based): chr17:50,591,999, G>T. VCF-style: chr17-50591999-G-T. GRCh37 (hg19) VCF-style: chr17-48669360-G-T.
Other names: c.2817G>T, p.Trp939Cys (NM_001256324.2, NM_001256325.2, NM_001256326.2 and 24 more transcripts); short protein forms W939C.
Identifiers: ClinVar variation 2662569 (VCV002662569.1), dbSNP rs2545236134, ClinGen allele CA400249879.
Genomic context (GRCh38, chr17:50,591,999, plus strand): 5'-CCTGACCCAGGAGGACTGGAACAAAGTCCTCTACAATGGTATGGCCTCCACGTCGTCCTG[G>T]GCGGCCCTTTATTTCATTGCCCTCATGACCTTCGGCAACTACGTGCTCTTCAATTTGCTG-3'
Protein context (NP_061496.2, residues 929-949): LYNGMASTSS[Trp939Cys]AALYFIALMT